The following is an entry in ClinVar:

ClinVar aggregate classification (germline): Uncertain significance (1 of 4 stars; one submission).

Submission:

Labcorp Genetics (formerly Invitae), Labcorp
Classification: Uncertain significance. Last evaluated: 2025-11-23. Review status: criteria provided, single submitter. Criteria: Invitae Variant Classification Sherloc (09022015). Collection method: clinical testing. Allele origin: germline.
Comment: This variant, c.4554_4559del, results in the deletion of 2 amino acid(s) of the HMCN1 protein (p.Asn1518_Asp1519del), but otherwise preserves the integrity of the reading frame. This variant is present in population databases (rs769253279, gnomAD 0.002%). This variant has not been reported in the literature in individuals affected with HMCN1-related conditions. Experimental studies and prediction algorithms are not available or were not evaluated, and the functional significance of this variant is currently unknown. In summary, the available evidence is currently insufficient to determine the role of this variant in disease. Therefore, it has been classified as a Variant of Uncertain Significance.

NM_031935.3(HMCN1):c.4554_4559del (p.Asn1518_Asp1519del)

Gene: HMCN1 (hemicentin 1; plus strand). Cytogenetic location: 1q31.1.
Variant type: Deletion.
Coding change: c.4554_4559del on transcript NM_031935.3 (MANE Select); coding-DNA positions 4554 to 4559, 6 bases deleted (TGACAA; older notation c.4554_4559delTGACAA).
Protein change: p.Asn1518_Asp1519del.
Molecular consequence: inframe deletion.
Genome position (GRCh38, 1-based): chr1:186,007,206-186,007,211, TGACAA deleted; deleting any 6 consecutive bases within chr1:186,007,204-186,007,211 gives the same sequence; the c. name uses the placement nearest the transcript's 3' end. VCF-style (leftmost placement, unchanged base first): chr1-186007203-AAATGAC-A. GRCh37 (hg19) VCF-style: chr1-185976335-AAATGAC-A.
Identifiers: ClinVar variation 4738154 (VCV004738154.1).